The following is an entry in ClinVar:

ClinVar aggregate classification (germline): Uncertain significance (0 of 4 stars; one submission).

Allele frequency attached by ClinVar (database versions not stated): gnomAD exomes below 0.00001.
gnomAD v4.1: 3 of 1,613,242 alleles (0.00019%); highest among the groups gnomAD compares: South Asian, 0.0033%; no homozygotes.

Submission:

Institute of Human Genetics, Cologne University
Classification: Uncertain significance. Review status: no assertion criteria provided. Collection method: clinical testing. Allele origin: paternal. Affected: no. Observed: 1 variant allele, 1 heterozygote.

NM_000090.4(COL3A1):c.175T>G (p.Ser59Ala)

Gene: COL3A1 (collagen type III alpha 1 chain; plus strand). Cytogenetic location: 2q32.2.
Variant type: single nucleotide variant.
Coding change: c.175T>G on transcript NM_000090.4 (MANE Select); coding-DNA position 175, T replaced by G.
Protein change: p.Ser59Ala; replaces serine 59 with alanine.
Molecular consequence: missense variant.
Genome position (GRCh38, 1-based): chr2:188,984,855, T>G. VCF-style: chr2-188984855-T-G. GRCh37 (hg19) VCF-style: chr2-189849581-T-G.
Other names: short protein forms S59A.
Identifiers: ClinVar variation 433549 (VCV000433549.1), dbSNP rs1553506856, ClinGen allele CA349847102.